The following is an entry in ClinVar:

NM_016592.5(GNAS):c.488T>C (p.Leu163Pro)

Genes: GNAS (GNAS complex locus; plus strand), GNAS-AS1 (GNAS antisense RNA 1; minus strand). Cytogenetic location: 20q13.32.
Variant type: single nucleotide variant.
Coding change: c.488T>C on transcript NM_016592.5 (MANE Plus Clinical); coding-DNA position 488, T replaced by C.
Protein change: p.Leu163Pro; replaces leucine 163 with proline.
Molecular consequence: missense variant. On other transcripts: 5 prime UTR variant (1).
Genome position (GRCh38, 1-based): chr20:58,840,594, T>C. VCF-style: chr20-58840594-T-C. GRCh37 (hg19) VCF-style: chr20-57415649-T-C.
Other names: c.-250T>C (NM_001410912.1); short protein forms L163P.
Identifiers: ClinVar variation 4999379 (VCV004999379.1).

ClinVar aggregate classification (germline): Uncertain significance (1 of 4 stars; one submission).

Conditions:
GNAS-related disorder. Identifiers: MedGen CN380105.

Submission:

PreventionGenetics, part of Exact Sciences
Classification: Uncertain significance for GNAS-related condition. Last evaluated: 2025-01-29. Review status: criteria provided, single submitter. Criteria: ACMG Guidelines, 2015. Collection method: clinical testing. Allele origin: germline.
Comment: The GNAS c.488T>C variant is predicted to result in the amino acid substitution p.Leu163Pro. This variant can be referred to as precoding variant c.-51133T>C (NM_000516). To our knowledge, this variant has not been reported in the literature or in a large population database (gnomAD), indicating this variant is rare. At this time, the clinical significance of this variant is uncertain due to the absence of conclusive functional and genetic evidence.